The following is an entry in ClinVar:

NM_000548.5(TSC2):c.2719G>A (p.Asp907Asn)

Gene: TSC2 (TSC complex subunit 2; plus strand). Cytogenetic location: 16p13.3.
Variant type: single nucleotide variant.
Coding change: c.2719G>A on transcript NM_000548.5 (MANE Select); coding-DNA position 2719, G replaced by A.
Protein change: p.Asp907Asn; replaces aspartic acid 907 with asparagine.
Molecular consequence: missense variant.
Genome position (GRCh38, 1-based): chr16:2,076,147, G>A. VCF-style: chr16-2076147-G-A. GRCh37 (hg19) VCF-style: chr16-2126148-G-A.
Other names: c.2119G>A, p.Asp707Asn (NM_001318831.2); c.2752G>A, p.Asp918Asn (NM_001318832.2); c.2719G>A, p.Asp907Asn (NM_001363528.2, NM_001370404.1, NM_001370405.1 and 3 more transcripts); c.2608G>A, p.Asp870Asn (NM_001318827.2); c.2572G>A, p.Asp858Asn (NM_001318829.2); short protein forms D707N, D918N, D858N, D870N, D907N.
Identifiers: ClinVar variation 821708 (VCV000821708.4), dbSNP rs1287273870, ClinGen allele CA394279514.
Genomic context (GRCh38, chr16:2,076,147, plus strand): 5'-TGTCTGGCCCATCACGTCATAGCCATGTGGTTCATCAGGTGCCGCCTGCCCTTCCGGAAG[G>A]ATTTTGTCCCTTTCATCACTAAGGTGGGCTCAGGGCCGGTGAAGGCTGTGTCTCTCGGTA-3'
Protein context (NP_000539.2, residues 897-917): FIRCRLPFRK[Asp907Asn]FVPFITKGLR

ClinVar aggregate classification (germline): Uncertain significance (1 of 4 stars; one submission).

Conditions:
Hereditary cancer-predisposing syndrome. Also called: Tumor predisposition; Hereditary Cancer Syndrome; Neoplastic Syndromes, Hereditary; Hereditary neoplastic syndrome. Identifiers: Orphanet 140162, MedGen C0027672, MeSH D009386, MONDO:0015356.

Submission:

Ambry Genetics
Classification: Uncertain significance for Hereditary cancer-predisposing syndrome. Last evaluated: 2018-08-30. Review status: criteria provided, single submitter. Criteria: Ambry Variant Classification Scheme 2023. Collection method: clinical testing. Allele origin: germline.
Comment: The p.D907N variant (also known as c.2719G>A), located in coding exon 23 of the TSC2 gene, results from a G to A substitution at nucleotide position 2719. The aspartic acid at codon 907 is replaced by asparagine, an amino acid with highly similar properties. This amino acid position is highly conserved in available vertebrate species. In addition, the in silico prediction for this alteration is inconclusive. Since supporting evidence is limited at this time, the clinical significance of this alteration remains unclear.